The following is an entry in ClinVar:

NM_001267550.2(TTN):c.28094G>A (p.Arg9365Gln)

Gene: TTN (titin; minus strand). Cytogenetic location: 2q31.2.
Variant type: single nucleotide variant.
Coding change: c.28094G>A on transcript NM_001267550.2 (MANE Select); coding-DNA position 28094, G replaced by A.
Protein change: p.Arg9365Gln; replaces arginine 9365 with glutamine.
Molecular consequence: missense variant. On other transcripts: intron variant (3).
Genome position (GRCh38, 1-based): chr2:178,711,142, C>T on the plus strand (G>A on the coding strand, the complement: TTN is on the minus strand). VCF-style: chr2-178711142-C-T. GRCh37 (hg19) VCF-style: chr2-179575869-C-T.
Other names: c.27143G>A, p.Arg9048Gln (NM_001256850.1); c.13282+26940G>A (NM_003319.4); c.13858+26940G>A (NM_133437.4); c.13657+26940G>A (NM_133432.3); c.24362G>A, p.Arg8121Gln (NM_133378.4); short protein forms R8121Q, R9365Q, R9048Q.
Identifiers: ClinVar variation 179185 (VCV000179185.15), dbSNP rs570608843, ClinGen allele CA183901.

ClinVar aggregate classification (germline): Conflicting classifications of pathogenicity. Review status: criteria provided, conflicting classifications (1 of 4 stars). 8 submissions from 8 submitters: Uncertain significance (6); Likely benign (2). Last evaluated 2026-09-09.

Conditions:
TTN-related disorder. Also called: TTN-related condition; TTN-related disease; TTN-related disorders.
Dilated cardiomyopathy 1G (CMD1G). Identifiers: Orphanet 154, MedGen C1858763, MONDO:0011400, OMIM 604145.
Autosomal recessive limb-girdle muscular dystrophy type 2J (LGMDR10). Also called: Limb-girdle muscular dystrophy, type 2J; MUSCULAR DYSTROPHY, LIMB-GIRDLE, AUTOSOMAL RECESSIVE 10. Identifiers: Orphanet 140922, MedGen C1837342, MONDO:0012127, OMIM 608807.

Allele frequency attached by ClinVar (database versions not stated): ExAC 0.00002; gnomAD 0.00004 and 0.00005; gnomAD exomes 0.00004; TOPMed 0.00006; 1000 Genomes Project 30x 0.00016; 1000 Genomes Project 0.00020.
gnomAD v4.1: 116 of 1,613,760 alleles (0.0072%); highest among the groups gnomAD compares: Admixed American, 0.012%; no homozygotes.

Submissions (8):

PreventionGenetics, part of Exact Sciences
Classification: Uncertain significance for TTN-related condition. Last evaluated: 2026-09-09. Review status: criteria provided, single submitter. Criteria: ACMG Guidelines, 2015. Collection method: clinical testing. Allele origin: germline.
Comment: The TTN c.28094G>A variant is predicted to result in the amino acid substitution p.Arg9365Gln. To our knowledge, this variant has not been reported in the literature. This variant is reported in 0.020% of alleles in individuals of Latino descent in gnomAD. At this time, the clinical significance of this variant is uncertain due to the absence of conclusive functional and genetic evidence.

Molecular Diagnostic Laboratory for Inherited Cardiovascular Disease, Montreal Heart Institute
Classification: Likely benign. Last evaluated: 2025-04-09. Review status: criteria provided, single submitter. Criteria: ACMG Guidelines, 2015. Collection method: clinical testing. Allele origin: germline. Affected: no.
Comment: BP1

KardioGenetik, Herz- und Diabeteszentrum NRW
Classification: Uncertain significance for Dilated cardiomyopathy 1G. Last evaluated: 2024-02-12. Review status: criteria provided, single submitter. Criteria: ACMG Guidelines, 2015. Collection method: clinical testing. Allele origin: unknown. Observed: 1 variant allele.

Women's Health and Genetics/Laboratory Corporation of America, LabCorp
Classification: Uncertain significance. Last evaluated: 2022-06-14. Review status: criteria provided, single submitter. Criteria: LabCorp Variant Classification Summary - May 2015. Collection method: clinical testing. Allele origin: germline.
Comment: Variant summary: TTN c.24362G>A (p.Arg8121Gln) results in a conservative amino acid change located in the I band of the encoded protein sequence. Five of five in-silico tools predict a benign effect of the variant on protein function. The variant allele was found at a frequency of 4e-05 in 248748 control chromosomes (gnomAD). This frequency is not significantly higher than expected for a pathogenic variant in TTN causing Dilated Cardiomyopathy (4e-05 vs 0.00039), allowing no conclusion about variant significance. To our knowledge, no occurrence of c.24362G>A in individuals affected with Dilated Cardiomyopathy and no experimental evidence demonstrating its impact on protein function have been reported. Two clinical diagnostic laboratories have submitted clinical-significance assessments for this variant to ClinVar after 2014 and classified the variant as likely benign and uncertain significance. Based on the evidence outlined above, the variant was classified as uncertain significance.

GeneDx
Classification: Likely benign. Last evaluated: 2020-08-04. Review status: criteria provided, single submitter. Criteria: GeneDx Variant Classification Process June 2021. Collection method: clinical testing. Allele origin: germline. Affected: yes.

Revvity Omics, Revvity
Classification: Uncertain significance. Last evaluated: 2020-05-29. Review status: criteria provided, single submitter. Criteria: ACMG Guidelines, 2015. Collection method: clinical testing. Allele origin: germline.

Labcorp Genetics (formerly Invitae), Labcorp
Classification: Uncertain significance for Dilated cardiomyopathy 1G; Autosomal recessive limb-girdle muscular dystrophy type 2J. Last evaluated: 2017-09-28. Review status: criteria provided, single submitter. Criteria: Invitae Variant Classification Sherloc (09022015). Collection method: clinical testing. Allele origin: germline.

Laboratory for Molecular Medicine, Mass General Brigham Personalized Medicine
Classification: Uncertain significance. Last evaluated: 2013-08-09. Review status: criteria provided, single submitter. Criteria: LMM Criteria. Collection method: clinical testing. Allele origin: germline. Observed: 1 variant allele.
Comment: The Arg8121Gln variant in TTN has not been reported in individuals with cardiomy opathy or in large population studies. Computational analyses (biochemical amino acid properties, conservation, AlignGVGD, PolyPhen2, and SIFT) suggest that the Arg8121Gln variant may not impact the protein, though this information is not p redictive enough to rule out pathogenicity. In summary, additional information i s needed to fully assess the clinical significance of the Arg8121Gln variant.